The following is an entry in ClinVar:

NM_006017.3(PROM1):c.1099A>G (p.Ile367Val)

Gene: PROM1 (prominin 1; minus strand). Cytogenetic location: 4p15.32.
Variant type: single nucleotide variant.
Coding change: c.1099A>G on transcript NM_006017.3 (MANE Select); coding-DNA position 1099, A replaced by G.
Protein change: p.Ile367Val; replaces isoleucine 367 with valine.
Molecular consequence: missense variant.
Genome position (GRCh38, 1-based): chr4:16,013,317, T>C on the plus strand (A>G on the coding strand, the complement: PROM1 is on the minus strand). VCF-style: chr4-16013317-T-C. GRCh37 (hg19) VCF-style: chr4-16014940-T-C.
Other names: c.1072A>G, p.Ile358Val (NM_001145847.2, NM_001145848.2, NM_001145851.2 and 4 more transcripts); c.1099A>G, p.Ile367Val (NM_001145849.2, NM_001145850.2); short protein forms I358V, I367V.
Identifiers: ClinVar variation 2760381 (VCV002760381.3), dbSNP rs1428142201, ClinGen allele CA356437379.
Genomic context (GRCh38, chr4:16,013,317, plus strand): 5'-TCAAACTGTGAATCTCACCTGCTACGACAGTCGTGGTTTGGCGTTGTACTCTGTCAGGTA[T>C]ATCATTAAGGGATTGATAGCCCTGAAAAATATTTCAAAATAAAAGGATGTACACAGTTAA-3'
Protein context (NP_006008.1, residues 357-377): VQQGYQSLND[Ile367Val]PDRVQRQTTT

ClinVar aggregate classification (germline): Uncertain significance (1 of 4 stars; one submission).

Allele frequency attached by ClinVar (database versions not stated): TOPMed below 0.00001; gnomAD 0.00001.
gnomAD v4.1: 3 of 1,606,896 alleles (0.00019%); highest among the groups gnomAD compares: Admixed American, 0.0017%; no homozygotes.

Submission:

Labcorp Genetics (formerly Invitae), Labcorp
Classification: Uncertain significance. Last evaluated: 2023-06-03. Review status: criteria provided, single submitter. Criteria: Invitae Variant Classification Sherloc (09022015). Collection method: clinical testing. Allele origin: germline.
Comment: This sequence change replaces isoleucine, which is neutral and non-polar, with valine, which is neutral and non-polar, at codon 367 of the PROM1 protein (p.Ile367Val). In summary, the available evidence is currently insufficient to determine the role of this variant in disease. Therefore, it has been classified as a Variant of Uncertain Significance. Advanced modeling of protein sequence and biophysical properties (such as structural, functional, and spatial information, amino acid conservation, physicochemical variation, residue mobility, and thermodynamic stability) performed at Invitae indicates that this missense variant is not expected to disrupt PROM1 protein function. This variant has not been reported in the literature in individuals affected with PROM1-related conditions. This variant is present in population databases (no rsID available, gnomAD 0.0009%).